The following is an entry in ClinVar:

NM_000059.4(BRCA2):c.29C>T (p.Thr10Ile)

Gene: BRCA2 (BRCA2 DNA repair associated; plus strand). Cytogenetic location: 13q13.1.
Variant type: single nucleotide variant.
Coding change: c.29C>T on transcript NM_000059.4 (MANE Select); coding-DNA position 29, C replaced by T.
Protein change: p.Thr10Ile; replaces threonine 10 with isoleucine.
Molecular consequence: missense variant.
Genome position (GRCh38, 1-based): chr13:32,316,489, C>T. VCF-style: chr13-32316489-C-T. GRCh37 (hg19) VCF-style: chr13-32890626-C-T.
Other names: short protein forms T10I.
Identifiers: ClinVar variation 578213 (VCV000578213.13), dbSNP rs1057519494, ClinGen allele CA387752986.
Genomic context (GRCh38, chr13:32,316,489, plus strand): 5'-TACCAAGCATTGGAGGAATATCGTAGGTAAAAATGCCTATTGGATCCAAAGAGAGGCCAA[C>T]ATTTTTTGAAATTTTTAAGACACGCTGCAACAAAGCAGGTATTGACAAATTTTATATAAC-3'
Protein context (NP_000050.3, residues 1-20): MPIGSKERP[Thr10Ile]FFEIFKTRCN

ClinVar aggregate classification (germline): Uncertain significance. Review status: criteria provided, multiple submitters, no conflicts (2 of 4 stars). 3 submissions from 3 submitters: Uncertain significance (3). Last evaluated 2025-04-11.

Conditions:
Hereditary breast ovarian cancer syndrome. Also called: Hereditary breast and ovarian cancer; Breast and ovarian cancer; Hereditary breast and ovarian cancer syndrome; BRCA1- and BRCA2-Associated Hereditary Breast and Ovarian Cancer; Hereditary breast and/or ovarian cancer syndrome; Hereditary breast and ovarian cancer syndrome (HBOC). Identifiers: Orphanet 145, MedGen C0677776, MeSH D061325, MONDO:0003582. Disease mechanism: loss of function.
Hereditary cancer-predisposing syndrome. Also called: Tumor predisposition; Hereditary neoplastic syndrome; Hereditary Cancer Syndrome; Neoplastic Syndromes, Hereditary. Identifiers: Orphanet 140162, MedGen C0027672, MeSH D009386, MONDO:0015356.

Submissions (3):

Quest Diagnostics Nichols Institute San Juan Capistrano
Classification: Uncertain significance. Last evaluated: 2025-04-11. Review status: criteria provided, single submitter. Criteria: Quest Diagnostics criteria. Collection method: clinical testing. Allele origin: unknown.
Comment: The BRCA2 c.29C>T (p.Thr10Ile) variant has not been reported in individuals with BRCA2-related conditions in the published literature. It also has not been reported in large, multi-ethnic general populations (Genome Aggregation Database). Analysis of this variant using bioinformatics tools for the prediction of the effect of amino acid changes on protein structure and function yielded conflicting predictions that this variant is benign or damaging. Based on the available information, we are unable to determine the clinical significance of this variant.

Labcorp Genetics (formerly Invitae), Labcorp
Classification: Uncertain significance for Hereditary breast ovarian cancer syndrome. Last evaluated: 2024-06-26. Review status: criteria provided, single submitter. Criteria: Invitae Variant Classification Sherloc (09022015). Collection method: clinical testing. Allele origin: germline.
Comment: This sequence change replaces threonine, which is neutral and polar, with isoleucine, which is neutral and non-polar, at codon 10 of the BRCA2 protein (p.Thr10Ile). This variant is not present in population databases (gnomAD no frequency). This variant has not been reported in the literature in individuals affected with BRCA2-related conditions. ClinVar contains an entry for this variant (Variation ID: 578213). Advanced modeling of protein sequence and biophysical properties (such as structural, functional, and spatial information, amino acid conservation, physicochemical variation, residue mobility, and thermodynamic stability) performed at Invitae indicates that this missense variant is not expected to disrupt BRCA2 protein function with a negative predictive value of 95%. In summary, the available evidence is currently insufficient to determine the role of this variant in disease. Therefore, it has been classified as a Variant of Uncertain Significance.

Color Diagnostics, LLC DBA Color Health
Classification: Uncertain significance for Hereditary cancer-predisposing syndrome. Last evaluated: 2021-12-14. Review status: criteria provided, single submitter. Criteria: ACMG Guidelines, 2015. Collection method: clinical testing. Allele origin: germline.
Comment: This missense variant replaces threonine with isoleucine at codon 10 of the BRCA2 protein. Computational prediction suggests that this variant may not impact protein structure and function (internally defined REVEL score threshold <= 0.5, PMID: 27666373). To our knowledge, functional studies have not been reported for this variant. This variant has not been reported in individuals affected with hereditary cancer in the literature. This variant has not been identified in the general population by the Genome Aggregation Database (gnomAD). The available evidence is insufficient to determine the role of this variant in disease conclusively. Therefore, this variant is classified as a Variant of Uncertain Significance.